The following is an entry in ClinVar:

ClinVar aggregate classification (germline): Conflicting classifications of pathogenicity. Review status: criteria provided, conflicting classifications (1 of 4 stars). 4 submissions from 4 submitters: Uncertain significance (2); Likely benign (1). 1 of the submissions does not count toward it. Last evaluated 2025-04-15.

Conditions:
Cortical dysplasia-focal epilepsy syndrome (PTHSL1). Also called: Pitt-Hopkins-like syndrome 1. Identifiers: Orphanet 163681, Orphanet 221150, MedGen C2750246, MONDO:0012400, OMIM 610042.
CNTNAP2-related disorder. Also called: CNTNAP2-related condition.
Inborn genetic diseases. Identifiers: MedGen C0950123, MeSH D030342.

Allele frequency attached by ClinVar (database versions not stated): gnomAD exomes 0.00007 and 0.00014; ESP Exome Variant Server 0.00015; gnomAD 0.00016 and 0.00017; TOPMed 0.00023; 1000 Genomes Project 30x 0.00047; 1000 Genomes Project 0.00060.
gnomAD v4.1: 128 of 1,613,806 alleles (0.0079%); highest among the groups gnomAD compares: South Asian, 0.075%; no homozygotes.

Submissions (4):

Ambry Genetics
Classification: Uncertain significance for Inborn genetic diseases. Last evaluated: 2025-04-15. Review status: criteria provided, single submitter. Criteria: Ambry Variant Classification Scheme 2023. Collection method: clinical testing. Allele origin: germline.

Labcorp Genetics (formerly Invitae), Labcorp
Classification: Uncertain significance for Cortical dysplasia-focal epilepsy syndrome. Last evaluated: 2022-08-23. Review status: criteria provided, single submitter. Criteria: Invitae Variant Classification Sherloc (09022015). Collection method: clinical testing. Allele origin: germline.
Comment: This sequence change replaces glutamic acid, which is acidic and polar, with lysine, which is basic and polar, at codon 494 of the CNTNAP2 protein (p.Glu494Lys). This variant is present in population databases (rs149032771, gnomAD 0.07%). This variant has not been reported in the literature in individuals affected with CNTNAP2-related conditions. ClinVar contains an entry for this variant (Variation ID: 205245). Algorithms developed to predict the effect of missense changes on protein structure and function (SIFT, PolyPhen-2, Align-GVGD) all suggest that this variant is likely to be tolerated. In summary, the available evidence is currently insufficient to determine the role of this variant in disease. Therefore, it has been classified as a Variant of Uncertain Significance.

GeneDx
Classification: Likely benign. Last evaluated: 2021-06-01. Review status: criteria provided, single submitter. Criteria: GeneDx Variant Classification Process June 2021. Collection method: clinical testing. Allele origin: germline. Affected: yes.
Comment: Has not been previously published as pathogenic or benign to our knowledge; In silico analysis, which includes protein predictors and evolutionary conservation, supports that this variant does not alter protein structure/function

PreventionGenetics, part of Exact Sciences
Classification: Uncertain significance for CNTNAP2-related condition. Last evaluated: 2023-11-10. Review status: no assertion criteria provided. Collection method: clinical testing. Allele origin: germline. Not counted in ClinVar's aggregate classification.
Comment: The CNTNAP2 c.1480G>A variant is predicted to result in the amino acid substitution p.Glu494Lys. To our knowledge, this variant has not been reported in the literature. This variant is reported in 0.069% of alleles in individuals of South Asian descent in gnomAD. Although we suspect that this variant may be benign, at this time, the clinical significance of this variant is uncertain due to the absence of conclusive functional and genetic evidence.

NM_014141.6(CNTNAP2):c.1480G>A (p.Glu494Lys)

Gene: CNTNAP2 (contactin associated protein 2; plus strand). Cytogenetic location: 7q35.
Variant type: single nucleotide variant.
Coding change: c.1480G>A on transcript NM_014141.6 (MANE Select); coding-DNA position 1480, G replaced by A.
Protein change: p.Glu494Lys; replaces glutamic acid 494 with lysine.
Molecular consequence: missense variant.
Genome position (GRCh38, 1-based): chr7:147,300,272, G>A. VCF-style: chr7-147300272-G-A. GRCh37 (hg19) VCF-style: chr7-146997364-G-A.
Other names: p.E494K:GAG>AAG; short protein forms E494K.
Identifiers: ClinVar variation 205245 (VCV000205245.18), dbSNP rs149032771, ClinGen allele CA314124.